The following is an entry in ClinVar:

ClinVar aggregate classification (germline): Uncertain significance (1 of 4 stars; one submission).

Conditions:
Inborn genetic diseases. Identifiers: MedGen C0950123, MeSH D030342.

gnomAD v4.1: 1 of 1,613,782 alleles (0.000062%); highest among the groups gnomAD compares: Non-Finnish European, 0.000085%; no homozygotes.

Submission:

Ambry Genetics
Classification: Uncertain significance for Inborn genetic diseases. Last evaluated: 2022-05-06. Review status: criteria provided, single submitter. Criteria: Ambry Variant Classification Scheme 2023. Collection method: clinical testing. Allele origin: germline.
Comment: The p.R2425L variant (also known as c.7274G>T), located in coding exon 43 of the ATR gene, results from a G to T substitution at nucleotide position 7274. The arginine at codon 2425 is replaced by leucine, an amino acid with dissimilar properties. This amino acid position is conserved. In addition, this alteration is predicted to be tolerated by in silico analysis. Since supporting evidence is limited at this time, the clinical significance of this alteration remains unclear.

NM_001184.4(ATR):c.7274G>T (p.Arg2425Leu)

Gene: ATR (ATR checkpoint kinase; minus strand). Cytogenetic location: 3q23.
Variant type: single nucleotide variant.
Coding change: c.7274G>T on transcript NM_001184.4 (MANE Select); coding-DNA position 7274, G replaced by T.
Protein change: p.Arg2425Leu; replaces arginine 2425 with leucine.
Molecular consequence: missense variant.
Genome position (GRCh38, 1-based): chr3:142,459,302, C>A on the plus strand (G>T on the coding strand, the complement: ATR is on the minus strand). VCF-style: chr3-142459302-C-A. GRCh37 (hg19) VCF-style: chr3-142178144-C-A.
Other names: c.7082G>T, p.Arg2361Leu (NM_001354579.2); short protein forms R2361L, R2425L.
Identifiers: ClinVar variation 1758029 (VCV001758029.2), dbSNP rs2229032, ClinGen allele CA354797577.